The following is an entry in ClinVar:

NM_001378457.1(DMXL2):c.1147G>T (p.Asp383Tyr)

Gene: DMXL2 (Dmx like 2; minus strand). Cytogenetic location: 15q21.2.
Variant type: single nucleotide variant.
Coding change: c.1147G>T on transcript NM_001378457.1 (MANE Select); coding-DNA position 1147, G replaced by T.
Protein change: p.Asp383Tyr; replaces aspartic acid 383 with tyrosine.
Molecular consequence: missense variant. On other transcripts: non-coding transcript variant (2), intron variant (1).
Genome position (GRCh38, 1-based): chr15:51,538,411, C>A on the plus strand (G>T on the coding strand, the complement: DMXL2 is on the minus strand). VCF-style: chr15-51538411-C-A. GRCh37 (hg19) VCF-style: chr15-51830608-C-A.
Other names: c.1147G>T, p.Asp383Tyr (NM_001174116.3, NM_001174117.3, NM_001378458.1 and 6 more transcripts); c.1106-652G>T (NM_001378464.1); c.1147G>T (NM_001174116.1); short protein forms D383Y.
Identifiers: ClinVar variation 2099121 (VCV002099121.4), dbSNP rs763613878, ClinGen allele CA7562644.
Genomic context (GRCh38, chr15:51,538,411, plus strand): 5'-ATGATGTAAAATGAAATTCCTTGTTGTTTAACCAATGAACTACAAAGCCCCCATTTCCAT[C>A]ATCAACATTAAATGCAGTGCCAACCAAGACATTTGGAATATCTGTGGAAATAAAAGAGAT-3'
Protein context (NP_001365386.1, residues 373-393): VLVGTAFNVD[Asp383Tyr]GNGGFVVHWL

ClinVar aggregate classification (germline): Uncertain significance. Review status: criteria provided, multiple submitters, no conflicts (2 of 4 stars). 2 submissions from 2 submitters: Uncertain significance (2). Last evaluated 2025-12-09.

Conditions:
DMXL2-related disorder. Also called: DMXL2-related condition.

Allele frequency attached by ClinVar (database versions not stated): ExAC 0.00001; gnomAD 0.00001; TOPMed 0.00001.
gnomAD v4.1: 5 of 1,612,390 alleles (0.00031%); highest among the groups gnomAD compares: Non-Finnish European, 0.00042%; no homozygotes.

Submissions (2):

PreventionGenetics, part of Exact Sciences
Classification: Uncertain significance for DMXL2-related condition. Last evaluated: 2025-12-09. Review status: criteria provided, single submitter. Criteria: ACMG Guidelines, 2015. Collection method: clinical testing. Allele origin: germline.
Comment: The DMXL2 c.1147G>T variant is predicted to result in the amino acid substitution p.Asp383Tyr. To our knowledge, this variant has not been reported in the literature. This variant is reported in 0.00088% of alleles in individuals of European (Non-Finnish) descent in gnomAD. At this time, the clinical significance of this variant is uncertain due to the absence of conclusive functional and genetic evidence.

Labcorp Genetics (formerly Invitae), Labcorp
Classification: Uncertain significance. Last evaluated: 2023-05-08. Review status: criteria provided, single submitter. Criteria: Invitae Variant Classification Sherloc (09022015). Collection method: clinical testing. Allele origin: germline.
Comment: This sequence change replaces aspartic acid, which is acidic and polar, with tyrosine, which is neutral and polar, at codon 383 of the DMXL2 protein (p.Asp383Tyr). The frequency data for this variant in the population databases is considered unreliable, as metrics indicate poor data quality at this position in the gnomAD database. This variant has not been reported in the literature in individuals affected with DMXL2-related conditions. ClinVar contains an entry for this variant (Variation ID: 2099121). An algorithm developed to predict the effect of missense changes on protein structure and function (PolyPhen-2) suggests that this variant is likely to be disruptive. In summary, the available evidence is currently insufficient to determine the role of this variant in disease. Therefore, it has been classified as a Variant of Uncertain Significance.